The following is an entry in ClinVar:

NM_000388.4(CASR):c.3047T>C (p.Leu1016Pro)

Gene: CASR (calcium sensing receptor; plus strand). Cytogenetic location: 3q21.1.
Variant type: single nucleotide variant.
Coding change: c.3047T>C on transcript NM_000388.4 (MANE Select); coding-DNA position 3047, T replaced by C.
Protein change: p.Leu1016Pro; replaces leucine 1016 with proline.
Molecular consequence: missense variant.
Genome position (GRCh38, 1-based): chr3:122,285,001, T>C. VCF-style: chr3-122285001-T-C. GRCh37 (hg19) VCF-style: chr3-122003848-T-C.
Other names: c.3077T>C, p.Leu1026Pro (NM_001178065.2); short protein forms L1016P, L1026P.
Identifiers: ClinVar variation 939485 (VCV000939485.8), dbSNP rs755151413, ClinGen allele CA2569923.

ClinVar aggregate classification (germline): Uncertain significance (1 of 4 stars; one submission).

Conditions:
Familial hypocalciuric hypercalcemia (FHH). Also called: Familial benign hypercalcemia. Identifiers: Orphanet 405, MedGen C1809471, MONDO:0018458.
Autosomal dominant hypocalcemia 1 (HYPOC1). Also called: HYPOCALCEMIA, FAMILIAL. Identifiers: MedGen C3715128, MONDO:0011013, OMIM 601198.

Allele frequency attached by ClinVar (database versions not stated): gnomAD exomes below 0.00001; ExAC 0.00001.
gnomAD v4.1: 1 of 1,614,182 alleles (0.000062%); highest among the groups gnomAD compares: Non-Finnish European, 0.000085%; no homozygotes.

Submission:

Labcorp Genetics (formerly Invitae), Labcorp
Classification: Uncertain significance for Familial hypocalciuric hypercalcemia; Autosomal dominant hypocalcemia 1. Last evaluated: 2023-09-08. Review status: criteria provided, single submitter. Criteria: Invitae Variant Classification Sherloc (09022015). Collection method: clinical testing. Allele origin: germline.
Comment: This sequence change replaces leucine, which is neutral and non-polar, with proline, which is neutral and non-polar, at codon 1016 of the CASR protein (p.Leu1016Pro). This variant is present in population databases (rs755151413, gnomAD 0.0009%). This variant has not been reported in the literature in individuals affected with CASR-related conditions. ClinVar contains an entry for this variant (Variation ID: 939485). An algorithm developed to predict the effect of missense changes on protein structure and function (PolyPhen-2) suggests that this variant is likely to be disruptive. In summary, the available evidence is currently insufficient to determine the role of this variant in disease. Therefore, it has been classified as a Variant of Uncertain Significance.